The following is an entry in ClinVar:

NM_001940.4(ATN1):c.1082C>T (p.Pro361Leu)

Gene: ATN1 (atrophin 1; plus strand). Cytogenetic location: 12p13.31.
Variant type: single nucleotide variant.
Coding change: c.1082C>T on transcript NM_001940.4 (MANE Select); coding-DNA position 1082, C replaced by T.
Protein change: p.Pro361Leu; replaces proline 361 with leucine.
Molecular consequence: missense variant.
Genome position (GRCh38, 1-based): chr12:6,936,349, C>T. VCF-style: chr12-6936349-C-T. GRCh37 (hg19) VCF-style: chr12-7045512-C-T.
Other names: c.1082C>T, p.Pro361Leu (NM_001424178.1, NM_001007026.2, NM_001424176.1 and 1 more transcripts); c.1079C>T, p.Pro360Leu (NM_001424179.1, NM_001424180.1); short protein forms P360L, P361L.
Identifiers: ClinVar variation 5017970 (VCV005017970.1).

ClinVar aggregate classification (germline): Uncertain significance (1 of 4 stars; one submission).

gnomAD v4.1: 1 of 1,614,014 alleles (0.000062%); highest among the groups gnomAD compares: Non-Finnish European, 0.000085%; no homozygotes.

Submission:

GeneDx
Classification: Uncertain significance. Last evaluated: 2026-03-30. Review status: criteria provided, single submitter. Criteria: GeneDx Variant Classification Process June 2021. Collection method: clinical testing. Allele origin: germline.
Comment: Not observed at significant frequency in large population cohorts (gnomAD); In silico analysis supports that this missense variant has a deleterious effect on protein structure/function; Has not been previously published as pathogenic or benign to our knowledge